The following is an entry in ClinVar:

ClinVar aggregate classification (germline): Conflicting classifications of pathogenicity. Review status: criteria provided, conflicting classifications (1 of 4 stars). 3 submissions from 3 submitters: Uncertain significance (1); Likely benign (1). 1 of the submissions does not count toward it. Last evaluated 2026-01-07.

Conditions:
FLNB-related disorder. Also called: FLNB-related condition; FLNB-related disorders. Identifiers: MedGen CN381095.
FLNB-Related Spectrum Disorders.

Allele frequency attached by ClinVar (database versions not stated): gnomAD exomes 0.00001 and 0.00008; gnomAD 0.00002; TOPMed 0.00002.
gnomAD v4.1: 113 of 1,614,116 alleles (0.007%); highest among the groups gnomAD compares: Non-Finnish European, 0.0093%; no homozygotes.

Submissions (3):

Labcorp Genetics (formerly Invitae), Labcorp
Classification: Likely benign. Last evaluated: 2026-01-07. Review status: criteria provided, single submitter. Criteria: Invitae Variant Classification Sherloc (09022015). Collection method: clinical testing. Allele origin: germline.

Illumina Laboratory Services, Illumina
Classification: Uncertain significance for FLNB-Related Spectrum Disorders. Last evaluated: 2018-01-13. Review status: criteria provided, single submitter. Criteria: ICSL Variant Classification Criteria 13 December 2019. Collection method: clinical testing. Allele origin: germline.

PreventionGenetics, part of Exact Sciences
Classification: Likely benign for FLNB-related condition. Last evaluated: 2022-11-22. Review status: no assertion criteria provided. Collection method: clinical testing. Allele origin: germline. Not counted in ClinVar's aggregate classification.
Comment: This variant is classified as likely benign based on ACMG/AMP sequence variant interpretation guidelines (Richards et al. 2015 PMID: 25741868, with internal and published modifications).

NM_001457.4(FLNB):c.6108C>T (p.Ser2036=)

Gene: FLNB (filamin B; plus strand). Cytogenetic location: 3p14.3.
Variant type: single nucleotide variant.
Coding change: c.6108C>T on transcript NM_001457.4 (MANE Select); coding-DNA position 6108, C replaced by T.
Protein change: p.Ser2036=; no amino-acid change (serine 2036 retained).
Molecular consequence: synonymous variant.
Genome position (GRCh38, 1-based): chr3:58,149,866, C>T. VCF-style: chr3-58149866-C-T. GRCh37 (hg19) VCF-style: chr3-58135593-C-T.
Other names: c.6201C>T, p.Ser2067= (NM_001164317.2); c.6075C>T, p.Ser2025= (NM_001164318.2); c.6036C>T, p.Ser2012= (NM_001164319.2).
Identifiers: ClinVar variation 346354 (VCV000346354.11), dbSNP rs767210448, ClinGen allele CA10617202.